The following is an entry in ClinVar:

ClinVar aggregate classification (germline): Likely benign (1 of 4 stars; one submission).

Conditions:
Malignant hyperthermia, susceptibility to, 1 (MHS1). Also called: Anesthesia related hyperthermia; Malignant hyperpyrexia; Fulminating hyperpyrexia; Pharmacogenic myopathy; RYR1-Related Malignant Hyperthermia Susceptibility; Malignant hyperthermia suceptibility 1. Identifiers: Orphanet 423, MedGen C2930980, MONDO:0007783, OMIM 145600.

Submission:

All of Us Research Program, National Institutes of Health
Classification: Likely benign for Malignant hyperthermia, susceptibility to, 1. Last evaluated: 2023-08-28. Review status: criteria provided, single submitter. Criteria: ACMG Guidelines, 2015. Collection method: clinical testing. Allele origin: germline. Inheritance: Autosomal dominant inheritance. Observed: 1 variant allele, 1 heterozygote.
Comment: This study involves interpretation of variants in research participants for the purpose of population health screening. Participant phenotype was not available at the time of variant classification. Additional details can be found in publication PMID: 35346344, PMCID: PMC8962531

NM_000540.3(RYR1):c.11619C>T (p.Val3873=)

Gene: RYR1 (ryanodine receptor 1; plus strand). Cytogenetic location: 19q13.2.
Variant type: single nucleotide variant.
Coding change: c.11619C>T on transcript NM_000540.3 (MANE Select); coding-DNA position 11619, C replaced by T.
Protein change: p.Val3873=; no amino-acid change (valine 3873 retained).
Molecular consequence: synonymous variant.
Genome position (GRCh38, 1-based): chr19:38,537,890, C>T. VCF-style: chr19-38537890-C-T. GRCh37 (hg19) VCF-style: chr19-39028530-C-T.
Other names: c.11604C>T, p.Val3868= (NM_001042723.2).
Identifiers: ClinVar variation 3073166 (VCV003073166.1), dbSNP rs2514549307, ClinGen allele CA507242174.